The following is an entry in ClinVar:

NM_000540.3(RYR1):c.11778+9G>A

Gene: RYR1 (ryanodine receptor 1; plus strand). Cytogenetic location: 19q13.2.
Variant type: single nucleotide variant.
Coding change: c.11778+9G>A on transcript NM_000540.3 (MANE Select); 9 bases into the intron after coding-DNA position 11778, G replaced by A.
Molecular consequence: intron variant.
Genome position (GRCh38, 1-based): chr19:38,543,444, G>A. VCF-style: chr19-38543444-G-A. GRCh37 (hg19) VCF-style: chr19-39034084-G-A.
Other names: c.11763+9G>A (NM_001042723.2).
Identifiers: ClinVar variation 517979 (VCV000517979.5), dbSNP rs371213685, ClinGen allele CA057653.

ClinVar aggregate classification (germline): Likely benign. Review status: criteria provided, multiple submitters, no conflicts (2 of 4 stars). 2 submissions from 2 submitters: Likely benign (2). Last evaluated 2025-09-03.

Conditions:
RYR1-related disorder. Also called: RYR1-related condition; RYR1-related disorders. Identifiers: MedGen CN239331.

Allele frequency attached by ClinVar (database versions not stated): gnomAD exomes below 0.00001; ExAC 0.00001; TOPMed 0.00001.
gnomAD v4.1: 17 of 1,614,234 alleles (0.0011%); highest among the groups gnomAD compares: Non-Finnish European, 0.0014%; no homozygotes.

Submissions (2):

Labcorp Genetics (formerly Invitae), Labcorp
Classification: Likely benign for RYR1-related disorder. Last evaluated: 2025-09-03. Review status: criteria provided, single submitter. Criteria: Invitae Variant Classification Sherloc (09022015). Collection method: clinical testing. Allele origin: germline.

GeneDx
Classification: Likely benign. Last evaluated: 2017-06-13. Review status: criteria provided, single submitter. Criteria: GeneDx Variant Classification (06012015). Collection method: clinical testing. Allele origin: germline. Affected: yes.
Comment: This variant is considered likely benign or benign based on one or more of the following criteria: it is a conservative change, it occurs at a poorly conserved position in the protein, it is predicted to be benign by multiple in silico algorithms, and/or has population frequency not consistent with disease.